The following is an entry in ClinVar:

NM_001972.4(ELANE):c.602A>C (p.Asp201Ala)

Gene: ELANE (elastase, neutrophil expressed; plus strand). Cytogenetic location: 19p13.3.
Variant type: single nucleotide variant.
Coding change: c.602A>C on transcript NM_001972.4 (MANE Select); coding-DNA position 602, A replaced by C.
Protein change: p.Asp201Ala; replaces aspartic acid 201 with alanine.
Molecular consequence: missense variant.
Genome position (GRCh38, 1-based): chr19:855,962, A>C. VCF-style: chr19-855962-A-C. GRCh37 (hg19) VCF-style: chr19-855962-A-C.
Other names: short protein forms D201A.
Identifiers: ClinVar variation 4618400 (VCV004618400.1).
Genomic context (GRCh38, chr19:855,962, plus strand): 5'-CGGGCAGGTGGGCAGGGCCTCGCAGTCCAGCTTCCCCACCTTGTCTGCCTCCACAGGGGG[A>C]CTCCGGCAGCCCCTTGGTCTGCAACGGGCTAATCCACGGAATTGCCTCCTTCGTCCGGGG-3'
Protein context (NP_001963.1, residues 191-211): RGRQAGVCFG[Asp201Ala]SGSPLVCNGL

ClinVar aggregate classification (germline): Uncertain significance (1 of 4 stars; one submission).

Conditions:
Inborn genetic diseases. Identifiers: MedGen C0950123, MeSH D030342.

Submission:

Ambry Genetics
Classification: Uncertain significance for Inborn genetic diseases. Last evaluated: 2025-10-16. Review status: criteria provided, single submitter. Criteria: Ambry Variant Classification Scheme 2023. Collection method: clinical testing. Allele origin: germline.
Comment: The p.D201A variant (also known as c.602A>C), located in coding exon 5 of the ELANE gene, results from an A to C substitution at nucleotide position 602. The aspartic acid at codon 201 is replaced by alanine, an amino acid with dissimilar properties. This amino acid position is conserved. In addition, this alteration is predicted to be deleterious by in silico analysis. Based on the available evidence, the clinical significance of this variant remains unclear.